The following is an entry in ClinVar:

ClinVar aggregate classification (germline): Conflicting classifications of pathogenicity. Review status: criteria provided, conflicting classifications (1 of 4 stars). 3 submissions from 3 submitters: Uncertain significance (1); Likely benign (2). Last evaluated 2025-05-12.

Conditions:
Hereditary cancer-predisposing syndrome. Also called: Neoplastic Syndromes, Hereditary; Tumor predisposition; Hereditary neoplastic syndrome; Hereditary Cancer Syndrome. Identifiers: Orphanet 140162, MedGen C0027672, MeSH D009386, MONDO:0015356.
Hereditary breast ovarian cancer syndrome. Also called: Hereditary breast and ovarian cancer syndrome; Hereditary breast and ovarian cancer; BRCA1- and BRCA2-Associated Hereditary Breast and Ovarian Cancer; Hereditary breast and/or ovarian cancer syndrome; Hereditary breast and ovarian cancer syndrome (HBOC); Breast and ovarian cancer. Identifiers: Orphanet 145, MedGen C0677776, MeSH D061325, MONDO:0003582. Disease mechanism: loss of function.

Allele frequency attached by ClinVar (database versions not stated): gnomAD exomes below 0.00001.
gnomAD v4.1: 2 of 1,592,290 alleles (0.00013%); highest among the groups gnomAD compares: Non-Finnish European, 0.00017%; no homozygotes.

Submissions (3):

Labcorp Genetics (formerly Invitae), Labcorp
Classification: Likely benign for Hereditary breast ovarian cancer syndrome. Last evaluated: 2025-05-12. Review status: criteria provided, single submitter. Criteria: Invitae Variant Classification Sherloc (09022015). Collection method: clinical testing. Allele origin: germline.

Women's Health and Genetics/Laboratory Corporation of America, LabCorp
Classification: Uncertain significance. Last evaluated: 2025-03-28. Review status: criteria provided, single submitter. Criteria: LabCorp Variant Classification Summary - May 2015. Collection method: clinical testing. Allele origin: germline.
Comment: Variant summary: BRCA2 c.6480A>G alters a conserved nucleotide resulting in a synonymous change. Several computational tools predict a significant impact on normal splicing: Four predict the variant creates a 3' splicing acceptor site in exon 11. However, these predictions have yet to be confirmed by functional studies. The variant was absent in 232332 control chromosomes. The available data on variant occurrences in the general population are insufficient to allow any conclusion about variant significance. To our knowledge, no occurrence of c.6480A>G in individuals affected with Hereditary Breast And Ovarian Cancer Syndrome and no experimental evidence demonstrating its impact on protein function have been reported. ClinVar contains an entry for this variant (Variation ID: 1389840). Based on the evidence outlined above, the variant was classified as uncertain significance.

Ambry Genetics
Classification: Likely benign for Hereditary cancer-predisposing syndrome. Last evaluated: 2021-10-08. Review status: criteria provided, single submitter. Criteria: Ambry Variant Classification Scheme 2023. Collection method: clinical testing. Allele origin: germline.

NM_000059.4(BRCA2):c.6480A>G (p.Gln2160=)

Gene: BRCA2 (BRCA2 DNA repair associated; plus strand). Cytogenetic location: 13q13.1.
Variant type: single nucleotide variant.
Coding change: c.6480A>G on transcript NM_000059.4 (MANE Select); coding-DNA position 6480, A replaced by G.
Protein change: p.Gln2160=; no amino-acid change (glutamine 2160 retained).
Molecular consequence: synonymous variant.
Genome position (GRCh38, 1-based): chr13:32,340,835, A>G. VCF-style: chr13-32340835-A-G. GRCh37 (hg19) VCF-style: chr13-32914972-A-G.
Identifiers: ClinVar variation 1389840 (VCV001389840.12), dbSNP rs2137527978, ClinGen allele CA483439050.
Genomic context (GRCh38, chr13:32,340,835, plus strand): 5'-TGGTTCTTCAGAAAATAATCACTCTATTAAAGTTTCTCCATATCTCTCTCAATTTCAACA[A>G]GACAAACAACAGTTGGTATTAGGAACCAAAGTGTCACTTGTTGAGAACATTCATGTTTTG-3'
Protein context (NP_000050.3, residues 2150-2170): KVSPYLSQFQ[Gln2160=]DKQQLVLGTK